The following is an entry in ClinVar:

ClinVar aggregate classification (germline): Pathogenic (1 of 4 stars; one submission).

Conditions:
Cardiovascular phenotype. Identifiers: MedGen CN230736.
Hereditary cancer-predisposing syndrome. Also called: Hereditary Cancer Syndrome; Neoplastic Syndromes, Hereditary; Tumor predisposition; Hereditary neoplastic syndrome. Identifiers: Orphanet 140162, MedGen C0027672, MeSH D009386, MONDO:0015356.

Submission:

Ambry Genetics
Classification: Pathogenic for Cardiovascular phenotype; Hereditary cancer-predisposing syndrome. Last evaluated: 2021-04-14. Review status: criteria provided, single submitter. Criteria: Ambry Variant Classification Scheme 2023. Collection method: clinical testing. Allele origin: germline.
Comment: The c.5255_5256delTA pathogenic mutation, located in coding exon 37 of the NF1 gene, results from a deletion of two nucleotides at nucleotide positions 5255 to 5256, causing a translational frameshift with a predicted alternate stop codon (p.L1752Rfs*8). This alteration is expected to result in loss of function by premature protein truncation or nonsense-mediated mRNA decay. As such, this alteration is interpreted as a disease-causing mutation.

NM_001042492.3(NF1):c.5318_5319del (p.Leu1773fs)

Gene: NF1 (neurofibromin 1; plus strand). Cytogenetic location: 17q11.2.
Variant type: Deletion.
Coding change: c.5318_5319del on transcript NM_001042492.3 (MANE Select); coding-DNA positions 5318 to 5319, 2 bases deleted (TA; older notation c.5318_5319delTA).
Protein change: p.Leu1773fs; shifts the reading frame from leucine 1773.
Molecular consequence: frameshift variant.
Genome position (GRCh38, 1-based): chr17:31,327,548-31,327,549, TA deleted. VCF-style (leftmost placement, unchanged base first): chr17-31327547-CTA-C. GRCh37 (hg19) VCF-style: chr17-29654565-CTA-C.
Other names: c.5255_5256delTA, p.Leu1752Argfs (NM_000267.4); c.5255_5256delTA (NM_000267.3); short protein forms L1752fs, L1773fs.
Identifiers: ClinVar variation 1746383 (VCV001746383.2), dbSNP rs2508705648, ClinGen allele CA2580093254.